The following is an entry in ClinVar:

ClinVar aggregate classification (germline): Likely benign. Review status: criteria provided, multiple submitters, no conflicts (2 of 4 stars). 5 submissions from 5 submitters: Likely benign (5). Last evaluated 2025-12-30.

Conditions:
RYR1-related disorder. Also called: RYR1-related condition; RYR1-related disorders. Identifiers: MedGen CN239331.
Malignant hyperthermia, susceptibility to, 1 (MHS1). Also called: Anesthesia related hyperthermia; Malignant hyperpyrexia; Fulminating hyperpyrexia; Pharmacogenic myopathy; RYR1-Related Malignant Hyperthermia Susceptibility; Malignant hyperthermia suceptibility 1. Identifiers: Orphanet 423, MedGen C2930980, MONDO:0007783, OMIM 145600.

Allele frequency attached by ClinVar (database versions not stated): ExAC 0.00002; gnomAD exomes 0.00005 and 0.00016; TOPMed 0.00005; gnomAD 0.00007 and 0.00008; ESP Exome Variant Server 0.00023.
gnomAD v4.1: 251 of 1,613,728 alleles (0.016%); highest among the groups gnomAD compares: Non-Finnish European, 0.02%; no homozygotes.

Submissions (5):

Women's Health and Genetics/Laboratory Corporation of America, LabCorp
Classification: Likely benign. Last evaluated: 2025-12-30. Review status: criteria provided, single submitter. Criteria: LabCorp Variant Classification Summary - May 2015. Collection method: clinical testing. Allele origin: germline.

Labcorp Genetics (formerly Invitae), Labcorp
Classification: Likely benign for RYR1-related disorder. Last evaluated: 2025-07-27. Review status: criteria provided, single submitter. Criteria: Invitae Variant Classification Sherloc (09022015). Collection method: clinical testing. Allele origin: germline.

All of Us Research Program, National Institutes of Health
Classification: Likely benign for Malignant hyperthermia, susceptibility to, 1. Last evaluated: 2024-01-11. Review status: criteria provided, single submitter. Criteria: ACMG Guidelines, 2015. Collection method: clinical testing. Allele origin: germline. Inheritance: Autosomal dominant inheritance. Observed: 14 variant alleles, 14 heterozygotes.
Comment: This study involves interpretation of variants in research participants for the purpose of population health screening. Participant phenotype was not available at the time of variant classification. Additional details can be found in publication PMID: 35346344, PMCID: PMC8962531

Blueprint Genetics
Classification: Likely benign. Last evaluated: 2023-09-21. Review status: criteria provided, single submitter. Criteria: ACMG Guidelines, 2015. Collection method: clinical testing. Allele origin: germline.

Color Diagnostics, LLC DBA Color Health
Classification: Likely benign for Malignant hyperthermia, susceptibility to, 1. Last evaluated: 2022-11-14. Review status: criteria provided, single submitter. Criteria: ACMG Guidelines, 2015. Collection method: clinical testing. Allele origin: germline.

NM_000540.3(RYR1):c.13747-15C>T

Gene: RYR1 (ryanodine receptor 1; plus strand). Cytogenetic location: 19q13.2.
Variant type: single nucleotide variant.
Coding change: c.13747-15C>T on transcript NM_000540.3 (MANE Select); 15 bases into the intron before coding-DNA position 13747, C replaced by T.
Molecular consequence: intron variant.
Genome position (GRCh38, 1-based): chr19:38,572,004, C>T. VCF-style: chr19-38572004-C-T. GRCh37 (hg19) VCF-style: chr19-39062644-C-T.
Other names: c.13732-15C>T (NM_001042723.2).
Identifiers: ClinVar variation 1637329 (VCV001637329.12), dbSNP rs371981114, ClinGen allele CA060470.